The following is an entry in ClinVar:

NM_000038.6(APC):c.7378_7392del (p.Ala2460_Ser2464del)

Gene: APC (APC regulator of Wnt signaling pathway; plus strand). Cytogenetic location: 5q22.2.
Variant type: Deletion.
Coding change: c.7378_7392del on transcript NM_000038.6 (MANE Select); coding-DNA positions 7378 to 7392, 15 bases deleted (GCTTCATTTGAATCT).
Protein change: p.Ala2460_Ser2464del.
Molecular consequence: inframe deletion. On other transcripts: non-coding transcript variant (2).
Genome position (GRCh38, 1-based): chr5:112,842,972-112,842,986, GCTTCATTTGAATCT deleted; deleting any 15 consecutive bases within chr5:112,842,966-112,842,986 gives the same sequence; the c. name uses the placement nearest the transcript's 3' end. VCF-style (leftmost placement, unchanged base first): chr5-112842965-GGAATCTGCTTCATTT-G. GRCh37 (hg19) VCF-style: chr5-112178662-GGAATCTGCTTCATTT-G.
Other names: c.7378_7392del, p.Ala2460_Ser2464del (NM_001127510.3, NM_001354895.2, NM_001407450.1); c.7324_7338del, p.Ala2442_Ser2446del (NM_001127511.3); c.7432_7446del, p.Ala2478_Ser2482del (NM_001354896.2, NM_001407447.1, NM_001407448.1 and 1 more transcripts); c.7408_7422del, p.Ala2470_Ser2474del (NM_001354897.2); c.7303_7317del, p.Ala2435_Ser2439del (NM_001354898.2); c.7294_7308del, p.Ala2432_Ser2436del (NM_001354899.2); c.7255_7269del, p.Ala2419_Ser2423del (NM_001354900.2); c.7201_7215del, p.Ala2401_Ser2405del (NM_001354901.2, NM_001407453.1); and 11 more.
Identifiers: ClinVar variation 3881032 (VCV003881032.1).

ClinVar aggregate classification (germline): Uncertain significance (1 of 4 stars; one submission).

Conditions:
Hereditary cancer-predisposing syndrome. Also called: Tumor predisposition; Neoplastic Syndromes, Hereditary; Hereditary Cancer Syndrome; Hereditary neoplastic syndrome. Identifiers: Orphanet 140162, MedGen C0027672, MeSH D009386, MONDO:0015356.

Submission:

Ambry Genetics
Classification: Uncertain significance for Hereditary cancer-predisposing syndrome. Last evaluated: 2024-12-17. Review status: criteria provided, single submitter. Criteria: Ambry Variant Classification Scheme 2023. Collection method: clinical testing. Allele origin: germline.
Comment: The c.7378_7392del15 variant (also known as p.A2460_S2464del) is located in coding exon 15 of the APC gene. This variant results from an in-frame deletion of 15 nucleotides (GCTTCATTTGAATCT) at positions 7378 to 7392. This results in the in-frame deletion of 5 amino acids (ASFES) at codons 2460 to 2464. This amino acid region is well conserved in available vertebrate species. In addition, the in silico prediction for this alteration is inconclusive (Choi Y et al. PLoS ONE. 2012; 7(10):e46688). Based on the available evidence, the clinical significance of this variant remains unclear.